The following is an entry in ClinVar:

ClinVar aggregate classification (germline): Uncertain significance (1 of 4 stars; one submission).

gnomAD v4.1: 3 of 1,599,786 alleles (0.00019%); highest among the groups gnomAD compares: African/African-American, 0.0013%; no homozygotes.

Submission:

Labcorp Genetics (formerly Invitae), Labcorp
Classification: Uncertain significance. Last evaluated: 2026-01-26. Review status: criteria provided, single submitter. Criteria: Invitae Variant Classification Sherloc (09022015). Collection method: clinical testing. Allele origin: germline.
Comment: This sequence change replaces valine, which is neutral and non-polar, with isoleucine, which is neutral and non-polar, at codon 210 of the KIF23 protein (p.Val210Ile). This variant is present in population databases (no rsID available, gnomAD no frequency). This variant has not been reported in the literature in individuals affected with KIF23-related conditions. An algorithm developed to predict the effect of missense changes on protein structure and function outputs the following: PolyPhen-2: "Benign". The isoleucine amino acid residue is found in multiple mammalian species, which suggests that this missense change does not adversely affect protein function. In summary, the available evidence is currently insufficient to determine the role of this variant in disease. Therefore, it has been classified as a Variant of Uncertain Significance.

NM_001367805.3(KIF23):c.628G>A (p.Val210Ile)

Gene: KIF23 (kinesin family member 23; plus strand). Cytogenetic location: 15q23.
Variant type: single nucleotide variant.
Coding change: c.628G>A on transcript NM_001367805.3 (MANE Select); coding-DNA position 628, G replaced by A.
Protein change: p.Val210Ile; replaces valine 210 with isoleucine.
Molecular consequence: missense variant. On other transcripts: non-coding transcript variant (2).
Genome position (GRCh38, 1-based): chr15:69,423,223, G>A. VCF-style: chr15-69423223-G-A. GRCh37 (hg19) VCF-style: chr15-69715562-G-A.
Other names: c.298G>A, p.Val100Ile (NM_001281301.2); c.628G>A, p.Val210Ile (NM_001367804.2, NM_004856.7, NM_138555.4); short protein forms V210I, V100I.
Identifiers: ClinVar variation 4718496 (VCV004718496.1).
Genomic context (GRCh38, chr15:69,423,223, plus strand): 5'-CAAGTAGATCCAGAGTTTGCAGATATGATAACTGTACAAGAATTCTGCAAAGCAGAAGAG[G>A]TTGATGAAGATAGTGTCTATGGTGTATTTGTCTCTTATATTGAAATATATAATAATTACA-3'
Protein context (NP_001354734.1, residues 200-220): TVQEFCKAEE[Val210Ile]DEDSVYGVFV